The following is an entry in ClinVar:

NM_175737.4(KLB):c.2431A>T (p.Arg811Trp)

Genes: KLB (klotho beta; plus strand), LOC129992452 (ATAC-STARR-seq lymphoblastoid active region 21458; plus strand). Cytogenetic location: 4p14.
Variant type: single nucleotide variant.
Coding change: c.2431A>T on transcript NM_175737.4 (MANE Select); coding-DNA position 2431, A replaced by T.
Protein change: p.Arg811Trp; replaces arginine 811 with tryptophan.
Molecular consequence: missense variant.
Genome position (GRCh38, 1-based): chr4:39,447,157, A>T. VCF-style: chr4-39447157-A-T. GRCh37 (hg19) VCF-style: chr4-39448777-A-T.
Other names: short protein forms R811W.
Identifiers: ClinVar variation 4697745 (VCV004697745.1).

ClinVar aggregate classification (germline): Uncertain significance (1 of 4 stars; one submission).

gnomAD v4.1: 9 of 1,613,792 alleles (0.00056%); highest among the groups gnomAD compares: Admixed American, 0.015%; no homozygotes.

Submission:

Labcorp Genetics (formerly Invitae), Labcorp
Classification: Uncertain significance. Last evaluated: 2025-08-12. Review status: criteria provided, single submitter. Criteria: Invitae Variant Classification Sherloc (09022015). Collection method: clinical testing. Allele origin: germline.
Comment: This sequence change replaces arginine, which is basic and polar, with tryptophan, which is neutral and slightly polar, at codon 811 of the KLB protein (p.Arg811Trp). This variant is present in population databases (rs762862555, gnomAD 0.02%). This variant has not been reported in the literature in individuals affected with KLB-related conditions. Invitae Evidence Modeling of protein sequence and biophysical properties (such as structural, functional, and spatial information, amino acid conservation, physicochemical variation, residue mobility, and thermodynamic stability) indicates that this missense variant is not expected to disrupt KLB protein function with a negative predictive value of 80%. In summary, the available evidence is currently insufficient to determine the role of this variant in disease. Therefore, it has been classified as a Variant of Uncertain Significance.